The following is an entry in ClinVar:

ClinVar aggregate classification (germline): Likely benign (1 of 4 stars; one submission).

Submission:

CeGaT Center for Human Genetics Tuebingen
Classification: Likely benign. Last evaluated: 2026-02-01. Review status: criteria provided, single submitter. Criteria: CeGaT Center For Human Genetics Tuebingen Variant Classification Criteria Version 2. Collection method: clinical testing. Allele origin: germline. Affected: yes. Observed: 2 variant alleles.
Comment: CEL: BP4

NM_001807.6(CEL):c.1705A>G (p.Thr569Ala)

Gene: CEL (carboxyl ester lipase; plus strand). Cytogenetic location: 9q34.13.
Variant type: single nucleotide variant.
Coding change: c.1705A>G on transcript NM_001807.6 (MANE Select); coding-DNA position 1705, A replaced by G.
Protein change: p.Thr569Ala; replaces threonine 569 with alanine.
Molecular consequence: missense variant.
Genome position (GRCh38, 1-based): chr9:133,071,207, A>G. VCF-style: chr9-133071207-A-G. GRCh37 (hg19) VCF-style: chr9-135946594-A-G.
Other names: short protein forms T569A.
Identifiers: ClinVar variation 3898126 (VCV003898126.7).